The following is an entry in ClinVar:

ClinVar aggregate classification (germline): Pathogenic. Review status: reviewed by expert panel (3 of 4 stars). 3 submissions from 3 submitters: Pathogenic (1). 2 of the submissions do not count toward it. Last evaluated 2013-09-05.

Conditions:
Hereditary nonpolyposis colorectal neoplasms. Identifiers: MedGen C0009405, MeSH D003123.
Hereditary cancer-predisposing syndrome. Also called: Neoplastic Syndromes, Hereditary; Hereditary neoplastic syndrome; Tumor predisposition; Hereditary Cancer Syndrome. Identifiers: Orphanet 140162, MedGen C0027672, MeSH D009386, MONDO:0015356.
Lynch syndrome. Identifiers: Orphanet 144, MedGen C4552100, MONDO:0005835. Disease mechanism: loss of function.

Allele frequency attached by ClinVar (database versions not stated): gnomAD exomes below 0.00001.

Submissions (3):

International Society for Gastrointestinal Hereditary Tumours (InSiGHT)
Classification: Pathogenic for Lynch Syndrome. Last evaluated: 2013-09-05. Review status: reviewed by expert panel. Criteria: Guidelines v1.9. Collection method: research. Allele origin: germline.
Comment: Coding sequence variation resulting in a stop codon

Classified with v1.9 guidelines

Ambry Genetics
Classification: Uncertain significance for Hereditary cancer-predisposing syndrome. Last evaluated: 2026-03-26. Review status: criteria provided, single submitter. Criteria: Ambry Variant Classification Scheme 2023. Collection method: clinical testing. Allele origin: germline. Not counted in ClinVar's aggregate classification.
Comment: The c.3996_4000dupATTTC variant, located in coding exon 9 of the MSH6 gene, results from a duplication of ATTTC at nucleotide position 3996, causing a translational frameshift with a predicted alternate stop codon (p.R1334Hfs*14). This alteration occurs at the 3' terminus of the gene, is not expected to trigger nonsense-mediated mRNA decay and impacts the last 26 amino acids of the protein. The exact functional effect of this alteration is unknown. This variant was detected in an endometrial cancer patient with loss of MSH6 expression by IHC (Buchanan DD et al. J Clin Oncol, 2014 Jan;32:90-100). Based on the available evidence, the clinical significance of this variant remains unclear.

Labcorp Genetics (formerly Invitae), Labcorp
Classification: Pathogenic for Hereditary nonpolyposis colorectal neoplasms. Last evaluated: 2023-07-14. Review status: criteria provided, single submitter. Criteria: Invitae Variant Classification Sherloc (09022015). Collection method: clinical testing. Allele origin: germline. Not counted in ClinVar's aggregate classification.
Comment: For these reasons, this variant has been classified as Pathogenic. This variant disrupts a region of the MSH6 protein in which other variant(s) (p.Arg1334Ilefs*8) have been determined to be pathogenic (Invitae). This suggests that this is a clinically significant region of the protein, and that variants that disrupt it are likely to be disease-causing. ClinVar contains an entry for this variant (Variation ID: 89498). This premature translational stop signal has been observed in individual(s) with endometrial cancer (PMID: 24323032). This variant is not present in population databases (gnomAD no frequency). This sequence change creates a premature translational stop signal (p.Arg1334Hisfs*14) in the MSH6 gene. While this is not anticipated to result in nonsense mediated decay, it is expected to disrupt the last 27 amino acid(s) of the MSH6 protein.

Literature cited by the submitters: PubMed 24323032 (cited by Ambry Genetics and Labcorp Genetics (formerly Invitae), Labcorp); PubMed 38034465 (cited by Ambry Genetics).

NM_000179.3(MSH6):c.3996_4000dup (p.Arg1334fs)

Gene: MSH6 (mutS homolog 6; plus strand). Cytogenetic location: 2p16.3.
Variant type: Duplication.
Coding change: c.3996_4000dup on transcript NM_000179.3 (MANE Select); coding-DNA positions 3996 to 4000, 5 bases duplicated (ATTTC; older notation c.3996_4000dupATTTC).
Protein change: p.Arg1334fs; shifts the reading frame from arginine 1334.
Molecular consequence: frameshift variant.
Genome position (GRCh38, 1-based): chr2:47,806,646-47,806,650, ATTTC duplicated. VCF-style (leftmost placement, unchanged base first): chr2-47806645-T-TATTTC. GRCh37 (hg19) VCF-style: chr2-48033784-T-TATTTC.
Other names: c.3996_4000dupATTTC (NM_000179.2); c.3606_3610dup, p.Arg1204fs (NM_001281492.2); c.3090_3094dup, p.Arg1032fs (NM_001281493.2, NM_001281494.2); short protein forms R1032fs, R1204fs, R1334fs.
Identifiers: ClinVar variation 89498 (VCV000089498.12), dbSNP rs587779301, ClinGen allele CA330585.